The following is an entry in ClinVar:

NM_003560.4(PLA2G6):c.2317G>T (p.Val773Phe)

Gene: PLA2G6 (phospholipase A2 group VI; minus strand). Cytogenetic location: 22q13.1.
Variant type: single nucleotide variant.
Coding change: c.2317G>T on transcript NM_003560.4 (MANE Select); coding-DNA position 2317, G replaced by T.
Protein change: p.Val773Phe; replaces valine 773 with phenylalanine.
Molecular consequence: missense variant.
Genome position (GRCh38, 1-based): chr22:38,112,265, C>A on the plus strand (G>T on the coding strand, the complement: PLA2G6 is on the minus strand). VCF-style: chr22-38112265-C-A. GRCh37 (hg19) VCF-style: chr22-38508272-C-A.
Other names: c.2155G>T, p.Val719Phe (NM_001004426.3, NM_001199562.3, NM_001349865.2 and 1 more transcripts); c.2317G>T, p.Val773Phe (NM_001349864.2); c.1783G>T, p.Val595Phe (NM_001349867.2); c.1639G>T, p.Val547Phe (NM_001349868.2); c.1621G>T, p.Val541Phe (NM_001349869.2); short protein forms V541F, V547F, V595F, V719F, V773F.
Identifiers: ClinVar variation 3895889 (VCV003895889.1).

ClinVar aggregate classification (germline): Uncertain significance (1 of 4 stars; one submission).

Submission:

Women's Health and Genetics/Laboratory Corporation of America, LabCorp
Classification: Uncertain significance. Last evaluated: 2025-03-31. Review status: criteria provided, single submitter. Criteria: LabCorp Variant Classification Summary - May 2015. Collection method: clinical testing. Allele origin: germline.
Comment: Variant summary: PLA2G6 c.2317G>T (p.Val773Phe) results in a non-conservative amino acid change in the encoded protein sequence. Three of five in-silico tools predict a damaging effect of the variant on protein function. The variant was absent in 249832 control chromosomes. The available data on variant occurrences in the general population are insufficient to allow any conclusion about variant significance. c.2317G>T has been reported in the literature in an sutdy for screening variants in individuals affected with infantile neuroaxonal dystrophy and late-onset dystonia-parkinsonism (Dehnavi_2023). These report(s) do not provide unequivocal conclusions about association of the variant with Neurodegeneration With Brain Iron Accumulation. To our knowledge, no experimental evidence demonstrating an impact on protein function has been reported. The following publication have been ascertained in the context of this evaluation (PMID: 37403138). No submitters have cited clinical-significance assessments for this variant to ClinVar. Based on the evidence outlined above, the variant was classified as uncertain significance.

Literature cited by the submitters: PubMed 37403138.